The following is an entry in ClinVar:

NM_001127222.2(CACNA1A):c.4643C>T (p.Pro1548Leu)

Gene: CACNA1A (calcium voltage-gated channel subunit alpha1 A; minus strand). Cytogenetic location: 19p13.13.
Variant type: single nucleotide variant.
Coding change: c.4643C>T on transcript NM_001127222.2 (MANE Select); coding-DNA position 4643, C replaced by T.
Protein change: p.Pro1548Leu; replaces proline 1548 with leucine.
Molecular consequence: missense variant.
Genome position (GRCh38, 1-based): chr19:13,255,207, G>A on the plus strand (C>T on the coding strand, the complement: CACNA1A is on the minus strand). VCF-style: chr19-13255207-G-A. GRCh37 (hg19) VCF-style: chr19-13366021-G-A.
Other names: c.4655C>T, p.Pro1552Leu (NM_000068.4, NM_023035.3); c.4646C>T, p.Pro1549Leu (NM_001127221.2, NM_001174080.2); short protein forms P1548L, P1549L, P1552L.
Identifiers: ClinVar variation 1310022 (VCV001310022.2), dbSNP rs1275097177, ClinGen allele CA404338574.

ClinVar aggregate classification (germline): Uncertain significance (1 of 4 stars; one submission).

Allele frequency attached by ClinVar (database versions not stated): gnomAD exomes below 0.00001.
gnomAD v4.1: 1 of 1,611,884 alleles (0.000062%); highest among the groups gnomAD compares: Non-Finnish European, 0.000085%; no homozygotes.

Submission:

GeneDx
Classification: Uncertain significance. Last evaluated: 2019-11-13. Review status: criteria provided, single submitter. Criteria: GeneDx Variant Classification Process June 2021. Collection method: clinical testing. Allele origin: germline. Affected: yes.
Comment: Not observed in large population cohorts (Lek et al., 2016); In silico analysis, which includes protein predictors and evolutionary conservation, supports a deleterious effect; Has not been previously published as pathogenic or benign to our knowledge